The following is an entry in ClinVar:

ClinVar aggregate classification (germline): Uncertain significance (1 of 4 stars; one submission).

gnomAD v4.1: 4 of 1,612,894 alleles (0.00025%); highest among the groups gnomAD compares: Non-Finnish European, 0.000085%; no homozygotes.

Submission:

GeneDx
Classification: Uncertain significance. Last evaluated: 2025-06-11. Review status: criteria provided, single submitter. Criteria: GeneDx Variant Classification Process June 2021. Collection method: clinical testing. Allele origin: germline. Affected: yes.
Comment: Not observed at significant frequency in large population cohorts (gnomAD); In silico analysis suggests that this missense variant does not alter protein structure/function; Has not been previously published as pathogenic or benign to our knowledge

NM_007348.4(ATF6):c.14C>A (p.Ala5Asp)

Gene: ATF6 (activating transcription factor 6; plus strand). Cytogenetic location: 1q23.3.
Variant type: single nucleotide variant.
Coding change: c.14C>A on transcript NM_007348.4 (MANE Select); coding-DNA position 14, C replaced by A.
Protein change: p.Ala5Asp; replaces alanine 5 with aspartic acid.
Molecular consequence: missense variant.
Genome position (GRCh38, 1-based): chr1:161,766,374, C>A. VCF-style: chr1-161766374-C-A. GRCh37 (hg19) VCF-style: chr1-161736164-C-A.
Other names: c.14C>A, p.Ala5Asp (NM_001410890.1, NM_001437597.1); short protein forms A5D.
Identifiers: ClinVar variation 4538126 (VCV004538126.1).